The following is an entry in ClinVar:

NM_005210.4(CRYGB):c.*10G>A

Genes: CRYGB (crystallin gamma B; minus strand), LOC100507443 (uncharacterized LOC100507443; plus strand). Cytogenetic location: 2q33.3.
Variant type: single nucleotide variant.
Coding change: c.*10G>A on transcript NM_005210.4 (MANE Select); 10 bases downstream of the stop codon, G replaced by A.
Molecular consequence: 3 prime UTR variant.
Genome position (GRCh38, 1-based): chr2:208,142,628, C>T on the plus strand (G>A on the coding strand, the complement: CRYGB is on the minus strand). VCF-style: chr2-208142628-C-T. GRCh37 (hg19) VCF-style: chr2-209007352-C-T.
Identifiers: ClinVar variation 3037680 (VCV003037680.2), dbSNP rs771834624, ClinGen allele CA2078029.
Genomic context (GRCh38, chr2:208,142,628, plus strand): 5'-ACTAGTGCCAGAAACACAAGCTAAATATTTTATTAGATTTTAAAGGAGAAAAGTGGAAAA[C>T]GTAAATACTTCAGTACAAATCCATGACTCGTCTAAGAGAGCCAACTTTGGCATTTGGAGC-3'

ClinVar aggregate classification (germline): Likely benign (0 of 4 stars; one submission).

Conditions:
CRYGB-related disorder. Also called: CRYGB-related condition.

Allele frequency attached by ClinVar (database versions not stated): TOPMed 0.00001; gnomAD 0.00003; ExAC 0.00011.
gnomAD v4.1: 49 of 1,462,942 alleles (0.0033%); highest among the groups gnomAD compares: South Asian, 0.063%; no homozygotes.

Submission:

PreventionGenetics, part of Exact Sciences
Classification: Likely benign for CRYGB-related condition. Last evaluated: 2019-05-09. Review status: no assertion criteria provided. Collection method: clinical testing. Allele origin: germline.
Comment: This variant is classified as likely benign based on ACMG/AMP sequence variant interpretation guidelines (Richards et al. 2015 PMID: 25741868, with internal and published modifications).